The following is an entry in ClinVar:

NM_013450.4(BAZ2B):c.1679_1688delinsC (p.His560_Gly563delinsPro)

Gene: BAZ2B (bromodomain adjacent to zinc finger domain 2B; minus strand). Cytogenetic location: 2q24.2.
Variant type: Indel.
Coding change: c.1679_1688delinsC on transcript NM_013450.4 (MANE Select); coding-DNA positions 1679 to 1688, ATAGTCAAGG replaced by C.
Protein change: p.His560_Gly563delinsPro.
Molecular consequence: inframe indel.
Genome position (GRCh38, 1-based): chr2:159,432,969-159,432,978, CCTTGACTAT replaced by G on the plus strand (ATAGTCAAGG replaced by C on the coding strand, the reverse complement: BAZ2B is on the minus strand). VCF-style: chr2-159432969-CCTTGACTAT-G. GRCh37 (hg19) VCF-style: chr2-160289480-CCTTGACTAT-G.
Other names: c.1673_1682delinsC, p.His558_Gly561delinsPro (NM_001289975.1); c.1490_1499delinsC, p.His497_Gly500delinsPro (NM_001329857.2); c.1679_1688delinsC, p.His560_Gly563delinsPro (NM_001329858.2).
Identifiers: ClinVar variation 4687803 (VCV004687803.1).

ClinVar aggregate classification (germline): Uncertain significance (1 of 4 stars; one submission).

Submission:

Women's Health and Genetics/Laboratory Corporation of America, LabCorp
Classification: Uncertain significance. Last evaluated: 2025-10-23. Review status: criteria provided, single submitter. Criteria: LabCorp Variant Classification Summary - May 2015. Collection method: clinical testing. Allele origin: germline.
Comment: Variant summary: BAZ2B c.1673_1682delinsC (p.His558_Gly561delinsPro) results in an in-frame deletion-insertion that is predicted to delete 4 amino acids from the protein and insert 1 amino acid. The frequency of this variant in the general population could not be determined as the technology used for large population databases (ExAC, gnomAD, ESP, 1000G) cannot detect variants of this type, however the constituent component variants were only observed at a frequency of 0.000008022 among ~249300 tested chromosomes in gnomAD v2 (chr2:160289479-CCCTT/C and chr2:160289484-GACTAT/G), suggesting that the merged variant p.His558_Gly561delinsPro is rare. The available data on variant occurrences in the general population are insufficient to allow any conclusion about variant significance. To our knowledge, no occurrence of c.1673_1682delinsC in individuals affected with BAZ2B-related conditions and no experimental evidence demonstrating its impact on protein function have been reported. No submitters have cited clinical-significance assessments for this variant to ClinVar. Based on the evidence outlined above, the variant was classified as uncertain significance.